The following is an entry in ClinVar:

ClinVar aggregate classification (germline): Benign/Likely benign. Review status: criteria provided, multiple submitters, no conflicts (2 of 4 stars). 9 submissions from 9 submitters: Benign (3); Likely benign (6). Last evaluated 2026-08-04.

Conditions:
Hereditary pheochromocytoma and paraganglioma. Also called: Hereditary Paraganglioma-Pheochromocytoma Syndromes; Hereditary paragangliomas and pheochromocytomas; Hereditary pheochromocytoma-paraganglioma. Identifiers: Orphanet 29072, MedGen C4274332, MONDO:0017366.
Pheochromocytoma/paraganglioma syndrome 2. Also called: GLOMUS TUMORS, FAMILIAL, 2; Paragangliomas 2; SDHAF2-Related Hereditary Paraganglioma-Pheochromocytoma Syndrome (Paragangliomas 2); SDHAF2-Related Hereditary Paraganglioma-Pheochromocytoma Syndrome. Identifiers: Orphanet 29072, MedGen C1866552, MONDO:0011121, OMIM 601650.
Hereditary cancer-predisposing syndrome. Also called: Hereditary Cancer Syndrome; Hereditary neoplastic syndrome; Neoplastic Syndromes, Hereditary; Tumor predisposition. Identifiers: Orphanet 140162, MedGen C0027672, MeSH D009386, MONDO:0015356.

Allele frequency attached by ClinVar (database versions not stated): 1000 Genomes Project 30x 0.00031; gnomAD exomes 0.00008; ExAC 0.00008; gnomAD 0.00014; TOPMed 0.00015; 1000 Genomes Project 0.00020; ESP Exome Variant Server 0.00023.
gnomAD v4.1: 126 of 1,614,176 alleles (0.0078%); highest among the groups gnomAD compares: African/African-American, 0.036%; no homozygotes.

Submissions (9):

Myriad Genetics, Inc.
Classification: Benign for Pheochromocytoma/paraganglioma syndrome 2. Last evaluated: 2026-08-04. Review status: criteria provided, single submitter. Criteria: Myriad Autosomal Dominant, Autosomal Recessive and X-Linked Classification Criteria (2023). Collection method: clinical testing. Allele origin: unknown.
Comment: This variant is considered benign. This variant is a silent/synonymous amino acid change and it is not expected to impact splicing.

CeGaT Center for Human Genetics Tuebingen
Classification: Likely benign. Last evaluated: 2026-07-01. Review status: criteria provided, single submitter. Criteria: CeGaT Center For Human Genetics Tuebingen Variant Classification Criteria Version 2. Collection method: clinical testing. Allele origin: germline. Affected: yes. Observed: 1 variant allele.
Comment: SDHAF2: BP4, BP7

Labcorp Genetics (formerly Invitae), Labcorp
Classification: Likely benign for Hereditary pheochromocytoma and paraganglioma. Last evaluated: 2026-01-11. Review status: criteria provided, single submitter. Criteria: Invitae Variant Classification Sherloc (09022015). Collection method: clinical testing. Allele origin: germline.

All of Us Research Program, National Institutes of Health
Classification: Likely benign for Hereditary pheochromocytoma and paraganglioma. Last evaluated: 2024-02-05. Review status: criteria provided, single submitter. Criteria: ACMG Guidelines, 2015. Collection method: clinical testing. Allele origin: germline. Inheritance: Autosomal dominant inheritance. Observed: 11 variant alleles, 11 heterozygotes.
Comment: This study involves interpretation of variants in research participants for the purpose of population health screening. Participant phenotype was not available at the time of variant classification. Additional details can be found in publication PMID: 35346344, PMCID: PMC8962531

Quest Diagnostics Nichols Institute San Juan Capistrano
Classification: Benign. Last evaluated: 2023-08-31. Review status: criteria provided, single submitter. Criteria: Quest Diagnostics criteria. Collection method: clinical testing. Allele origin: unknown.

Blueprint Genetics
Classification: Likely benign. Last evaluated: 2022-11-28. Review status: criteria provided, single submitter. Criteria: ACMG Guidelines, 2015. Collection method: clinical testing. Allele origin: germline.

Color Diagnostics, LLC DBA Color Health
Classification: Likely benign for Hereditary pheochromocytoma and paraganglioma. Last evaluated: 2022-11-06. Review status: criteria provided, single submitter. Criteria: ACMG Guidelines, 2015. Collection method: clinical testing. Allele origin: germline.

Sema4
Classification: Benign for Hereditary cancer-predisposing syndrome. Last evaluated: 2021-11-26. Review status: criteria provided, single submitter. Criteria: Sema4 Curation Guidelines. Collection method: curation. Allele origin: germline.

Ambry Genetics
Classification: Likely benign for Hereditary cancer-predisposing syndrome. Last evaluated: 2015-03-09. Review status: criteria provided, single submitter. Criteria: Ambry Variant Classification Scheme 2023. Collection method: clinical testing. Allele origin: germline.

NM_017841.4(SDHAF2):c.15A>G (p.Thr5=)

Gene: SDHAF2 (succinate dehydrogenase complex assembly factor 2; plus strand). Cytogenetic location: 11q12.2.
Variant type: single nucleotide variant.
Coding change: c.15A>G on transcript NM_017841.4 (MANE Select); coding-DNA position 15, A replaced by G.
Protein change: p.Thr5=; no amino-acid change (threonine 5 retained).
Molecular consequence: synonymous variant.
Genome position (GRCh38, 1-based): chr11:61,430,161, A>G. VCF-style: chr11-61430161-A-G. GRCh37 (hg19) VCF-style: chr11-61197633-A-G.
Identifiers: ClinVar variation 416796 (VCV000416796.30), dbSNP rs144511254, ClinGen allele CA057863.